The following is an entry in ClinVar:

NM_000836.4(GRIN2D):c.2338T>G (p.Ser780Ala)

Gene: GRIN2D (glutamate ionotropic receptor NMDA type subunit 2D; plus strand). Cytogenetic location: 19q13.33.
Variant type: single nucleotide variant.
Coding change: c.2338T>G on transcript NM_000836.4 (MANE Select); coding-DNA position 2338, T replaced by G.
Protein change: p.Ser780Ala; replaces serine 780 with alanine.
Molecular consequence: missense variant.
Genome position (GRCh38, 1-based): chr19:48,441,854, T>G. VCF-style: chr19-48441854-T-G. GRCh37 (hg19) VCF-style: chr19-48945111-T-G.
Other names: short protein forms S780A.
Identifiers: ClinVar variation 4703577 (VCV004703577.1).
Genomic context (GRCh38, chr19:48,441,854, plus strand): 5'-GCTGCAGTGCTCAATTACATGGCCCGCAAGGACGAGGGCTGCAAGCTTGTCACCATCGGC[T>G]CCGGCAAGGTCTTCGCCACGACAGGCTATGGCATCGCCCTGCACAAGGGCTCCCGCTGGA-3'
Protein context (NP_000827.2, residues 770-790): DEGCKLVTIG[Ser780Ala]GKVFATTGYG

ClinVar aggregate classification (germline): Uncertain significance (1 of 4 stars; one submission).

gnomAD v4.1: 2 of 1,613,836 alleles (0.00012%); highest among the groups gnomAD compares: Admixed American, 0.0033%; no homozygotes.

Submission:

Labcorp Genetics (formerly Invitae), Labcorp
Classification: Uncertain significance. Last evaluated: 2025-05-02. Review status: criteria provided, single submitter. Criteria: Invitae Variant Classification Sherloc (09022015). Collection method: clinical testing. Allele origin: germline.
Comment: This sequence change replaces serine, which is neutral and polar, with alanine, which is neutral and non-polar, at codon 780 of the GRIN2D protein (p.Ser780Ala). This variant is present in population databases (no rsID available, gnomAD 0.003%). This variant has not been reported in the literature in individuals affected with GRIN2D-related conditions. Invitae Evidence Modeling of protein sequence and biophysical properties (such as structural, functional, and spatial information, amino acid conservation, physicochemical variation, residue mobility, and thermodynamic stability) indicates that this missense variant is not expected to disrupt GRIN2D protein function with a negative predictive value of 80%. In summary, the available evidence is currently insufficient to determine the role of this variant in disease. Therefore, it has been classified as a Variant of Uncertain Significance.